The following is an entry in ClinVar:

ClinVar aggregate classification (germline): Uncertain significance. Review status: criteria provided, multiple submitters, no conflicts (2 of 4 stars). 2 submissions from 2 submitters: Uncertain significance (2). Last evaluated 2025-04-19.

Conditions:
BBS4-related disorder. Also called: BBS4-related condition.
Bardet-Biedl syndrome (BBS). Identifiers: Orphanet 110, MedGen C0752166, MONDO:0015229.

gnomAD v4.1: 3 of 1,614,152 alleles (0.00019%); highest among the groups gnomAD compares: South Asian, 0.0011%; no homozygotes.

Submissions (2):

PreventionGenetics, part of Exact Sciences
Classification: Uncertain significance for BBS4-related condition. Last evaluated: 2025-04-19. Review status: criteria provided, single submitter. Criteria: ACMG Guidelines, 2015. Collection method: clinical testing. Allele origin: germline.
Comment: The BBS4 c.827T>C variant is predicted to result in the amino acid substitution p.Ile276Thr. To our knowledge, this variant has not been reported in the literature. This variant is reported in 0.00088% of alleles in individuals of European (Non-Finnish) descent in gnomAD. At this time, the clinical significance of this variant is uncertain due to the absence of conclusive functional and genetic evidence.

Labcorp Genetics (formerly Invitae), Labcorp
Classification: Uncertain significance for Bardet-Biedl syndrome. Last evaluated: 2025-01-16. Review status: criteria provided, single submitter. Criteria: Invitae Variant Classification Sherloc (09022015). Collection method: clinical testing. Allele origin: germline.
Comment: This sequence change replaces isoleucine, which is neutral and non-polar, with threonine, which is neutral and polar, at codon 276 of the BBS4 protein (p.Ile276Thr). This variant is present in population databases (no rsID available, gnomAD 0.0009%). This variant has not been reported in the literature in individuals affected with BBS4-related conditions. Invitae Evidence Modeling of protein sequence and biophysical properties (such as structural, functional, and spatial information, amino acid conservation, physicochemical variation, residue mobility, and thermodynamic stability) indicates that this missense variant is expected to disrupt BBS4 protein function with a positive predictive value of 80%. In summary, the available evidence is currently insufficient to determine the role of this variant in disease. Therefore, it has been classified as a Variant of Uncertain Significance.

NM_033028.5(BBS4):c.827T>C (p.Ile276Thr)

Gene: BBS4 (Bardet-Biedl syndrome 4; plus strand). Cytogenetic location: 15q24.1.
Variant type: single nucleotide variant.
Coding change: c.827T>C on transcript NM_033028.5 (MANE Select); coding-DNA position 827, T replaced by C.
Protein change: p.Ile276Thr; replaces isoleucine 276 with threonine.
Molecular consequence: missense variant. On other transcripts: non-coding transcript variant (2).
Genome position (GRCh38, 1-based): chr15:72,731,420, T>C. VCF-style: chr15-72731420-T-C. GRCh37 (hg19) VCF-style: chr15-73023761-T-C.
Other names: c.311T>C, p.Ile104Thr (NM_001252678.2); c.758T>C, p.Ile253Thr (NM_001320665.2); c.827T>C (NM_033028.4); short protein forms I276T, I104T, I253T.
Identifiers: ClinVar variation 3666499 (VCV003666499.3).
Genomic context (GRCh38, chr15:72,731,420, plus strand): 5'-TCACCAAATACAGAGTTGTGGCTTGTGCTGTTCCAGAAAGTCCTCCACTCTGGAATAACA[T>C]TGGAATGTGTTTCTTTGGCAAGAAGAAATATGTGGCGGTGAGTGTCCCCTCATGTTCTTT-3'
Protein context (NP_149017.2, residues 266-286): VPESPPLWNN[Ile276Thr]GMCFFGKKKY